The following is an entry in ClinVar:

NM_005993.5(TBCD):c.896del (p.Lys299fs)

Gene: TBCD (tubulin folding cofactor D). Cytogenetic location: 17q25.3.
Variant type: Deletion.
Coding change: c.896del on transcript NM_005993.5 (MANE Select); coding-DNA position 896, one base deleted.
Protein change: p.Lys299fs; shifts the reading frame from lysine 299.
Molecular consequence: frameshift variant.
Genome position: GRCh38 VCF-style: chr17-82800940-GA-G. GRCh37 (hg19) VCF-style: chr17-80758816-GA-G.
Other names: c.845del, p.Lys282fs (NM_001411101.1); c.896del, p.Lys299fs (NM_001411102.1); short protein forms K299fs, K282fs.
Identifiers: ClinVar variation 2711799 (VCV002711799.3), dbSNP rs2510814370, ClinGen allele CA2640708155.

ClinVar aggregate classification (germline): Pathogenic (1 of 4 stars; one submission).

Submission:

Labcorp Genetics (formerly Invitae), Labcorp
Classification: Pathogenic. Last evaluated: 2023-07-25. Review status: criteria provided, single submitter. Criteria: Invitae Variant Classification Sherloc (09022015). Collection method: clinical testing. Allele origin: germline.
Comment: For these reasons, this variant has been classified as Pathogenic. This variant has not been reported in the literature in individuals affected with TBCD-related conditions. This variant is not present in population databases (gnomAD no frequency). This sequence change creates a premature translational stop signal (p.Lys299Serfs*8) in the TBCD gene. It is expected to result in an absent or disrupted protein product. Loss-of-function variants in TBCD are known to be pathogenic (PMID: 27666370, 27666374).

Literature cited by the submitters: PubMed 27666370; PubMed 27666374.